The following is an entry in ClinVar:

ClinVar aggregate classification (germline): Uncertain significance (1 of 4 stars; one submission).

Conditions:
Primary ciliary dyskinesia 23 (CILD23). Also called: CILIARY DYSKINESIA, PRIMARY, 23, WITH OR WITHOUT SITUS INVERSUS. Identifiers: Orphanet 244, MedGen C3809548, MONDO:0014193, OMIM 615451.

Submission:

Labcorp Genetics (formerly Invitae), Labcorp
Classification: Uncertain significance for Primary ciliary dyskinesia 23. Last evaluated: 2024-06-27. Review status: criteria provided, single submitter. Criteria: Invitae Variant Classification Sherloc (09022015). Collection method: clinical testing. Allele origin: germline.
Comment: This sequence change replaces glycine, which is neutral and non-polar, with serine, which is neutral and polar, at codon 273 of the ARMC4 protein (p.Gly273Ser). This variant is not present in population databases (gnomAD no frequency). This variant has not been reported in the literature in individuals affected with ARMC4-related conditions. An algorithm developed to predict the effect of missense changes on protein structure and function (PolyPhen-2) suggests that this variant is likely to be tolerated. In summary, the available evidence is currently insufficient to determine the role of this variant in disease. Therefore, it has been classified as a Variant of Uncertain Significance.

NM_018076.5(ODAD2):c.817G>A (p.Gly273Ser)

Gene: ODAD2 (outer dynein arm docking complex subunit 2; minus strand). Cytogenetic location: 10p12.1.
Variant type: single nucleotide variant.
Coding change: c.817G>A on transcript NM_018076.5 (MANE Select); coding-DNA position 817, G replaced by A.
Protein change: p.Gly273Ser; replaces glycine 273 with serine.
Molecular consequence: missense variant.
Genome position (GRCh38, 1-based): chr10:27,983,845, C>T on the plus strand (G>A on the coding strand, the complement: ODAD2 is on the minus strand). VCF-style: chr10-27983845-C-T. GRCh37 (hg19) VCF-style: chr10-28272774-C-T.
Other names: c.817G>A, p.Gly273Ser (NM_001290020.2); short protein forms G273S.
Identifiers: ClinVar variation 3651504 (VCV003651504.2).